The following is an entry in ClinVar:

NM_004733.4(SLC33A1):c.1434G>A (p.Glu478=)

Gene: SLC33A1 (solute carrier family 33 member 1; minus strand). Cytogenetic location: 3q25.31.
Variant type: single nucleotide variant.
Coding change: c.1434G>A on transcript NM_004733.4 (MANE Select); coding-DNA position 1434, G replaced by A.
Protein change: p.Glu478=; no amino-acid change (glutamic acid 478 retained).
Molecular consequence: synonymous variant.
Genome position (GRCh38, 1-based): chr3:155,829,736, C>T on the plus strand (G>A on the coding strand, the complement: SLC33A1 is on the minus strand). VCF-style: chr3-155829736-C-T. GRCh37 (hg19) VCF-style: chr3-155547525-C-T.
Other names: c.1434G>A, p.Glu478= (NM_001190992.2); c.1128G>A, p.Glu376= (NM_001363883.1).
Identifiers: ClinVar variation 4847157 (VCV004847157.1).

ClinVar aggregate classification (germline): Likely benign (1 of 4 stars; one submission).

gnomAD v4.1: 42 of 1,614,022 alleles (0.0026%); highest among the groups gnomAD compares: Non-Finnish European, 0.0035%; no homozygotes.

Submission:

Women's Health and Genetics/Laboratory Corporation of America, LabCorp
Classification: Likely benign. Last evaluated: 2026-03-17. Review status: criteria provided, single submitter. Criteria: LabCorp Variant Classification Summary - May 2015. Collection method: clinical testing. Allele origin: germline.
Comment: Variant summary: SLC33A1 c.1434G>A alters a conserved nucleotide resulting in a synonymous change. Consensus agreement among computation tools predict no significant impact on normal splicing. However, these predictions have yet to be confirmed by functional studies. The variant allele was found at a frequency of 1.6e-05 in 251476 control chromosomes. The available data on variant occurrences in the general population are insufficient to allow any conclusion about variant significance. To our knowledge, no occurrence of c.1434G>A in individuals affected with SLC33A1-related conditions and no experimental evidence demonstrating its impact on protein function have been reported. No submitters have cited clinical-significance assessments for this variant to ClinVar. Based on the evidence outlined above, the variant was classified as likely benign.